The following is an entry in ClinVar:

NM_001291303.3(FAT4):c.132G>C (p.Glu44Asp)

Gene: FAT4 (FAT atypical cadherin 4; plus strand). Cytogenetic location: 4q28.1.
Variant type: single nucleotide variant.
Coding change: c.132G>C on transcript NM_001291303.3 (MANE Select); coding-DNA position 132, G replaced by C.
Protein change: p.Glu44Asp; replaces glutamic acid 44 with aspartic acid.
Molecular consequence: missense variant.
Genome position (GRCh38, 1-based): chr4:125,316,543, G>C. VCF-style: chr4-125316543-G-C. GRCh37 (hg19) VCF-style: chr4-126237698-G-C.
Other names: c.132G>C, p.Glu44Asp (NM_001291285.3, NM_024582.6); c.132G>C (NM_024582.4); short protein forms E44D.
Identifiers: ClinVar variation 1378614 (VCV001378614.5), dbSNP rs763601689, ClinGen allele CA358115166.

ClinVar aggregate classification (germline): Uncertain significance. Review status: criteria provided, multiple submitters, no conflicts (2 of 4 stars). 2 submissions from 2 submitters: Uncertain significance (2). Last evaluated 2023-08-10.

Conditions:
Inborn genetic diseases. Identifiers: MedGen C0950123, MeSH D030342.

Allele frequency attached by ClinVar (database versions not stated): gnomAD 0.00001.
gnomAD v4.1: 4 of 1,613,894 alleles (0.00025%); highest among the groups gnomAD compares: Middle Eastern, 0.016%; no homozygotes.

Submissions (2):

Ambry Genetics
Classification: Uncertain significance for Inborn genetic diseases. Last evaluated: 2023-08-10. Review status: criteria provided, single submitter. Criteria: Ambry Variant Classification Scheme 2023. Collection method: clinical testing. Allele origin: germline.

Labcorp Genetics (formerly Invitae), Labcorp
Classification: Uncertain significance. Last evaluated: 2021-09-21. Review status: criteria provided, single submitter. Criteria: Invitae Variant Classification Sherloc (09022015). Collection method: clinical testing. Allele origin: germline.
Comment: In summary, the available evidence is currently insufficient to determine the role of this variant in disease. Therefore, it has been classified as a Variant of Uncertain Significance. Advanced modeling of protein sequence and biophysical properties (such as structural, functional, and spatial information, amino acid conservation, physicochemical variation, residue mobility, and thermodynamic stability) performed at Invitae indicates that this missense variant is not expected to disrupt FAT4 protein function. This variant has not been reported in the literature in individuals affected with FAT4-related conditions. This variant is not present in population databases (ExAC no frequency). This sequence change replaces glutamic acid with aspartic acid at codon 44 of the FAT4 protein (p.Glu44Asp). The glutamic acid residue is highly conserved and there is a small physicochemical difference between glutamic acid and aspartic acid.